The following is an entry in ClinVar:

ClinVar aggregate classification (germline): Conflicting classifications of pathogenicity. Review status: criteria provided, conflicting classifications (1 of 4 stars). 3 submissions from 3 submitters: Uncertain significance (1); Likely benign (2). Last evaluated 2022-04-07.

Conditions:
Familial thoracic aortic aneurysm and aortic dissection (TAAD). Also called: Thoracic aortic aneurysms and dissections. Identifiers: Orphanet 91387, MedGen C4707243, MONDO:0019625.
Ehlers-Danlos syndrome, kyphoscoliotic type 1 (EDSKSCL1). Also called: Ehlers-Danlos syndrome, hydroxylysine-deficient; EHLERS-DANLOS SYNDROME, OCULAR-SCOLIOTIC TYPE; PLOD1-Related Kyphoscoliotic Ehlers-Danlos Syndrome; EHLERS-DANLOS SYNDROME, TYPE VIA. Identifiers: Orphanet 1900, MedGen C0268342, MONDO:0016002, OMIM 225400. Disease mechanism: loss of function.

Allele frequency attached by ClinVar (database versions not stated): ExAC 0.00002; gnomAD exomes 0.00002 and 0.00003; TOPMed 0.00002; gnomAD 0.00003 and 0.00004.
gnomAD v4.1: 49 of 1,614,000 alleles (0.003%); highest among the groups gnomAD compares: African/African-American, 0.004%; no homozygotes.

Submissions (3):

Blueprint Genetics
Classification: Likely benign. Last evaluated: 2022-04-07. Review status: criteria provided, single submitter. Criteria: ACMG Guidelines, 2015. Collection method: clinical testing. Allele origin: germline.

Labcorp Genetics (formerly Invitae), Labcorp
Classification: Uncertain significance for Ehlers-Danlos syndrome, kyphoscoliotic type 1. Last evaluated: 2021-12-02. Review status: criteria provided, single submitter. Criteria: Invitae Variant Classification Sherloc (09022015). Collection method: clinical testing. Allele origin: germline.
Comment: This sequence change affects codon 325 of the PLOD1 mRNA. It is a 'silent' change, meaning that it does not change the encoded amino acid sequence of the PLOD1 protein. It affects a nucleotide within the consensus splice site. This variant is present in population databases (rs761576315, gnomAD 0.008%). This variant has not been reported in the literature in individuals affected with PLOD1-related conditions. ClinVar contains an entry for this variant (Variation ID: 459837). Algorithms developed to predict the effect of sequence changes on RNA splicing suggest that this variant may disrupt the consensus splice site. In summary, the available evidence is currently insufficient to determine the role of this variant in disease. Therefore, it has been classified as a Variant of Uncertain Significance.

Ambry Genetics
Classification: Likely benign for Familial thoracic aortic aneurysm and aortic dissection. Last evaluated: 2017-01-20. Review status: criteria provided, single submitter. Criteria: Ambry Variant Classification Scheme 2023. Collection method: clinical testing. Allele origin: germline.

NM_000302.4(PLOD1):c.975C>T (p.His325=)

Gene: PLOD1 (procollagen-lysine,2-oxoglutarate 5-dioxygenase 1; plus strand). Cytogenetic location: 1p36.22.
Variant type: single nucleotide variant.
Coding change: c.975C>T on transcript NM_000302.4 (MANE Select); coding-DNA position 975, C replaced by T.
Protein change: p.His325=; no amino-acid change (histidine 325 retained).
Molecular consequence: synonymous variant.
Genome position (GRCh38, 1-based): chr1:11,958,647, C>T. VCF-style: chr1-11958647-C-T. GRCh37 (hg19) VCF-style: chr1-12018704-C-T.
Other names: c.1116C>T, p.His372= (NM_001316320.2).
Identifiers: ClinVar variation 459837 (VCV000459837.10), dbSNP rs761576315, ClinGen allele CA598207.